The following is an entry in ClinVar:

NM_002948.5(RPL15):c.178G>A (p.Val60Ile)

Genes: NKIRAS1 (NFKB inhibitor interacting Ras like 1; minus strand), RPL15 (ribosomal protein L15; plus strand). Cytogenetic location: 3p24.2.
Variant type: single nucleotide variant.
Coding change: c.178G>A on transcript NM_002948.5 (MANE Select); coding-DNA position 178, G replaced by A.
Protein change: p.Val60Ile; replaces valine 60 with isoleucine.
Molecular consequence: missense variant. On other transcripts: intron variant (1).
Genome position (GRCh38, 1-based): chr3:23,918,445, G>A. VCF-style: chr3-23918445-G-A. GRCh37 (hg19) VCF-style: chr3-23959936-G-A.
Other names: c.178G>A, p.Val60Ile (NM_001253379.2, NM_001253380.2, NM_001253382.2 and 2 more transcripts); c.-139-6995C>T (NM_001377380.1); short protein forms V60I.
Identifiers: ClinVar variation 2601092 (VCV002601092.4), dbSNP rs771958480, ClinGen allele CA2286471.

ClinVar aggregate classification (germline): Uncertain significance. Review status: criteria provided, multiple submitters, no conflicts (2 of 4 stars). 2 submissions from 2 submitters: Uncertain significance (2). Last evaluated 2024-05-29.

Allele frequency attached by ClinVar (database versions not stated): gnomAD exomes 0.00001; ExAC 0.00001; TOPMed 0.00002.
gnomAD v4.1: 18 of 1,612,238 alleles (0.0011%); highest among the groups gnomAD compares: East Asian, 0.0022%; no homozygotes.

Submissions (2):

Labcorp Genetics (formerly Invitae), Labcorp
Classification: Uncertain significance. Last evaluated: 2024-05-29. Review status: criteria provided, single submitter. Criteria: Invitae Variant Classification Sherloc (09022015). Collection method: clinical testing. Allele origin: germline.
Comment: This sequence change replaces valine, which is neutral and non-polar, with isoleucine, which is neutral and non-polar, at codon 60 of the RPL15 protein (p.Val60Ile). This variant is present in population databases (rs771958480, gnomAD 0.0009%). This variant has not been reported in the literature in individuals affected with RPL15-related conditions. ClinVar contains an entry for this variant (Variation ID: 2601092). An algorithm developed to predict the effect of missense changes on protein structure and function (PolyPhen-2) suggests that this variant is likely to be tolerated. In summary, the available evidence is currently insufficient to determine the role of this variant in disease. Therefore, it has been classified as a Variant of Uncertain Significance.

Ambry Genetics
Classification: Uncertain significance. Last evaluated: 2023-06-30. Review status: criteria provided, single submitter. Criteria: Ambry Variant Classification Scheme 2023. Collection method: clinical testing. Allele origin: germline.